The following is an entry in ClinVar:

ClinVar aggregate classification (germline): Pathogenic. Review status: criteria provided, single submitter (1 of 4 stars). 2 submissions from 2 submitters: Pathogenic (1). 1 of the submissions does not count toward it. Last evaluated 2023-10-27.

Conditions:
Primary hyperoxaluria, type I (HP1). Also called: Primary hyperoxaluria type 1; GLYCOLIC ACIDURIA; HEPATIC AGT DEFICIENCY; OXALOSIS I. Identifiers: Orphanet 416, Orphanet 93598, MedGen C0268164, MONDO:0009823, OMIM 259900. Disease mechanism: loss of function.

Submissions (2):

Clinical Biochemistry Laboratory, Health Services Laboratory
Classification: Pathogenic for Primary hyperoxaluria, type I. Last evaluated: 2023-10-27. Review status: criteria provided, single submitter. Criteria: ACMG Guidelines, 2015. Collection method: curation. Allele origin: germline. Affected: yes.
Comment: ACMG:PVS1 PM2 PM3 PP4

Counsyl
Classification: Likely pathogenic for Primary hyperoxaluria, type I. Last evaluated: 2017-10-16. Review status: no assertion criteria provided. Collection method: clinical testing. Allele origin: unknown. Not counted in ClinVar's aggregate classification.

Literature cited by the submitters: PubMed 34837989 (cited by Clinical Biochemistry Laboratory, Health Services Laboratory); PubMed 25644115 (cited by Counsyl).

NM_000030.3(AGXT):c.126dup (p.Leu43fs)

Gene: AGXT (alanine--glyoxylate aminotransferase; plus strand). Cytogenetic location: 2q37.3.
Variant type: Duplication.
Coding change: c.126dup on transcript NM_000030.3 (MANE Select); coding-DNA position 126, one base duplicated (G; older notation c.126dupG).
Protein change: p.Leu43fs; shifts the reading frame from leucine 43.
Molecular consequence: frameshift variant.
Genome position (GRCh38, 1-based): chr2:240,868,991, G duplicated; the last of 6 consecutive G bases (chr2:240,868,986-240,868,991); duplicating any one gives the same sequence. VCF-style (leftmost placement, unchanged base first): chr2-240868985-C-CG. GRCh37 (hg19) VCF-style: chr2-241808402-C-CG.
Other names: c.126dupG (NM_000030.2); c.121dup (NM_000030.2); short protein forms L43fs.
Identifiers: ClinVar variation 554314 (VCV000554314.3), dbSNP rs180177171, ClinGen allele CA658821243.